The following is an entry in ClinVar:

NM_000426.4(LAMA2):c.5313T>C (p.Asp1771=)

Gene: LAMA2 (laminin subunit alpha 2; plus strand). Cytogenetic location: 6q22.33.
Variant type: single nucleotide variant.
Coding change: c.5313T>C on transcript NM_000426.4 (MANE Select); coding-DNA position 5313, T replaced by C.
Protein change: p.Asp1771=; no amino-acid change (aspartic acid 1771 retained).
Molecular consequence: synonymous variant.
Genome position (GRCh38, 1-based): chr6:129,393,123, T>C. VCF-style: chr6-129393123-T-C. GRCh37 (hg19) VCF-style: chr6-129714268-T-C.
Other names: c.5313T>C, p.Asp1771= (NM_001079823.2).
Identifiers: ClinVar variation 3898464 (VCV003898464.7).

ClinVar aggregate classification (germline): Likely benign (1 of 4 stars; one submission).

Submission:

CeGaT Center for Human Genetics Tuebingen
Classification: Likely benign. Last evaluated: 2025-04-01. Review status: criteria provided, single submitter. Criteria: CeGaT Center For Human Genetics Tuebingen Variant Classification Criteria Version 2. Collection method: clinical testing. Allele origin: germline. Affected: yes. Observed: 1 variant allele.
Comment: LAMA2: PM2:Supporting, BP4, BP7